The following is an entry in ClinVar:

NM_014846.4(WASHC5):c.1408+7A>G

Gene: WASHC5 (WASH complex subunit 5; minus strand). Cytogenetic location: 8q24.13.
Variant type: single nucleotide variant.
Coding change: c.1408+7A>G on transcript NM_014846.4 (MANE Select); 7 bases into the intron after coding-DNA position 1408, A replaced by G.
Molecular consequence: intron variant.
Genome position (GRCh38, 1-based): chr8:125,063,515, T>C on the plus strand (A>G on the coding strand, the complement: WASHC5 is on the minus strand). VCF-style: chr8-125063515-T-C. GRCh37 (hg19) VCF-style: chr8-126075757-T-C.
Other names: p.?; c.964+7A>G (NM_001330609.2).
Identifiers: ClinVar variation 361722 (VCV000361722.24), dbSNP rs16900312, ClinGen allele CA4873850.

ClinVar aggregate classification (germline): Benign. Review status: criteria provided, multiple submitters, no conflicts (2 of 4 stars). 9 submissions from 9 submitters: Benign (6). 3 of the submissions do not count toward it. Last evaluated 2026-01-20.

Conditions:
WASHC5-related disorder. Also called: WASHC5-related condition.
Hereditary spastic paraplegia. Also called: Familial spastic paraparesis. Identifiers: Orphanet 685, MedGen C0037773, MONDO:0019064. Disease mechanism: loss of function.
Hereditary spastic paraplegia 8 (SPG8). Also called: SPASTIC PARAPLEGIA 8, AUTOSOMAL DOMINANT. Identifiers: Orphanet 100989, MedGen C1863704, MONDO:0011339, OMIM 603563.
Ritscher-Schinzel syndrome. Also called: CRANIOCEREBELLOCARDIAC DYSPLASIA. Identifiers: Orphanet 7, MedGen C0796137, MONDO:0019078.

Allele frequency attached by ClinVar (database versions not stated): gnomAD exomes 0.00690 and 0.00234; gnomAD 0.02845 and 0.02663; TOPMed 0.02918; 1000 Genomes Project 30x 0.03482; ExAC 0.00861; 1000 Genomes Project 0.03195; ESP Exome Variant Server 0.02768.
gnomAD v4.1: 7,626 of 1,613,548 alleles (0.47%); highest among the groups gnomAD compares: African/African-American, 9%; 316 homozygotes.

Submissions (9):

Labcorp Genetics (formerly Invitae), Labcorp
Classification: Benign for Ritscher-Schinzel syndrome; Hereditary spastic paraplegia 8. Last evaluated: 2026-01-20. Review status: criteria provided, single submitter. Criteria: Invitae Variant Classification Sherloc (09022015). Collection method: clinical testing. Allele origin: germline.

Genome Diagnostics Laboratory, The Hospital for Sick Children
Classification: Benign for Hereditary spastic paraplegia. Last evaluated: 2022-01-17. Review status: criteria provided, single submitter. Criteria: ACMG Guidelines, 2015. Collection method: clinical testing. Allele origin: germline. Affected: yes.

Illumina Laboratory Services, Illumina
Classification: Benign for Hereditary spastic paraplegia 8. Last evaluated: 2018-01-12. Review status: criteria provided, single submitter. Criteria: ICSL Variant Classification Criteria 13 December 2019. Collection method: clinical testing. Allele origin: germline.
Comment: This variant was observed in the ICSL laboratory as part of a predisposition screen in an ostensibly healthy population. It had not been previously curated by ICSL or reported in the Human Gene Mutation Database (HGMD: prior to June 1st, 2018), and was therefore a candidate for classification through an automated scoring system. Utilizing variant allele frequency, disease prevalence and penetrance estimates, and inheritance mode, an automated score was calculated to assess if this variant is too frequent to cause the disease. Based on the score and internal cut-off values, a variant classified as benign is not then subjected to further curation. The score for this variant resulted in a classification of benign for this disease.

Athena Diagnostics
Classification: Benign. Last evaluated: 2017-12-30. Review status: criteria provided, single submitter. Criteria: Athena Diagnostics Criteria. Collection method: clinical testing. Allele origin: germline.

GeneDx
Classification: Benign. Last evaluated: 2016-10-24. Review status: criteria provided, single submitter. Criteria: GeneDx Variant Classification (06012015). Collection method: clinical testing. Allele origin: germline. Affected: yes.
Comment: This variant is considered likely benign or benign based on one or more of the following criteria: it is a conservative change, it occurs at a poorly conserved position in the protein, it is predicted to be benign by multiple in silico algorithms, and/or has population frequency not consistent with disease.

Mayo Clinic Laboratories, Mayo Clinic
Classification: Benign. Last evaluated: 2016-05-23. Review status: criteria provided, single submitter. Criteria: ACMG Guidelines, 2015. Collection method: clinical testing. Allele origin: germline. Observed: 13 variant alleles.

PreventionGenetics, part of Exact Sciences
Classification: Benign for WASHC5-related condition. Last evaluated: 2019-08-07. Review status: no assertion criteria provided. Collection method: clinical testing. Allele origin: germline. Not counted in ClinVar's aggregate classification.
Comment: This variant is classified as benign based on ACMG/AMP sequence variant interpretation guidelines (Richards et al. 2015 PMID: 25741868, with internal and published modifications).

Genome Diagnostics Laboratory, University Medical Center Utrecht
Classification: Benign. Review status: no assertion criteria provided. Collection method: clinical testing. Allele origin: germline. Affected: yes. Study: VKGL Data-share Consensus. Not counted in ClinVar's aggregate classification.

Joint Genome Diagnostic Labs from Nijmegen and Maastricht, Radboudumc and MUMC+
Classification: Benign. Review status: no assertion criteria provided. Collection method: clinical testing. Allele origin: germline. Affected: yes. Study: VKGL Data-share Consensus. Not counted in ClinVar's aggregate classification.